The following is an entry in ClinVar:

NM_000277.3(PAH):c.1166C>A (p.Ala389Glu)

Gene: PAH (phenylalanine hydroxylase; minus strand). Cytogenetic location: 12q23.2.
Variant type: single nucleotide variant.
Coding change: c.1166C>A on transcript NM_000277.3 (MANE Select); coding-DNA position 1166, C replaced by A.
Protein change: p.Ala389Glu; replaces alanine 389 with glutamic acid.
Molecular consequence: missense variant.
Genome position (GRCh38, 1-based): chr12:102,843,679, G>T on the plus strand (C>A on the coding strand, the complement: PAH is on the minus strand). VCF-style: chr12-102843679-G-T. GRCh37 (hg19) VCF-style: chr12-103237457-G-T.
Other names: NM_001354304.2:c.1166C>A; c.1166C>A, p.Ala389Glu (NM_001354304.2); short protein forms A389E.
Identifiers: ClinVar variation 1327566 (VCV001327566.1), dbSNP rs1874688379, ClinGen allele CA16020954.
Genomic context (GRCh38, chr12:102,843,679, plus strand): 5'-AGTGGCTCACCTTTGTCACCACCTCACCTTACTTTCTCCTTGGCATCATTAAAACTCTCT[G>T]CCACGTAATAGAGGGGCTGGAACTCCGTGACAGTGTAATTTTGGATGGCTGTCTTCTCCA-3'
Protein context (NP_000268.1, residues 379-399): VTEFQPLYYV[Ala389Glu]ESFNDAKEKV

ClinVar aggregate classification (germline): Uncertain significance (3 of 4 stars; one submission).

Conditions:
Phenylketonuria (PKU). Also called: Phenylketonuria (PKU); FOLLING DISEASE; OLIGOPHRENIA PHENYLPYRUVICA; Phenylketonurias. Identifiers: Orphanet 716, MedGen C0031485, MONDO:0009861, OMIM 261600. Disease mechanism: loss of function.

Submission:

ClinGen PAH Variant Curation Expert Panel
Classification: Uncertain significance for Phenylketonuria. Last evaluated: 2021-11-21. Review status: reviewed by expert panel. Criteria: ClinGen PAH ACMG Specifications v1. Collection method: curation. Allele origin: germline. Inheritance: Autosomal recessive inheritance.
Comment: This variant is absent from population databases (PM2), and is predicted deleterious by SIFT, PolyPhen2, MutationTaster, and REVEL = 0.975 (PP3). In summary, this variant meets criteria to be classified as uncertain significance for PAH. PAH-specific ACMG/AMP criteria applied: PM2, PP3, PP4.